The following is an entry in ClinVar:

ClinVar aggregate classification (germline): Uncertain significance (1 of 4 stars; one submission).

Submission:

Labcorp Genetics (formerly Invitae), Labcorp
Classification: Uncertain significance. Last evaluated: 2025-12-15. Review status: criteria provided, single submitter. Criteria: Invitae Variant Classification Sherloc (09022015). Collection method: clinical testing. Allele origin: germline.
Comment: This sequence change replaces glutamine, which is neutral and polar, with leucine, which is neutral and non-polar, at codon 1706 of the FBN3 protein (p.Gln1706Leu). This variant is not present in population databases (gnomAD no frequency). This variant has not been reported in the literature in individuals affected with FBN3-related conditions. ClinVar contains an entry for this variant (Variation ID: 2121914). An algorithm developed to predict the effect of missense changes on protein structure and function (PolyPhen-2) suggests that this variant is likely to be tolerated. In summary, the available evidence is currently insufficient to determine the role of this variant in disease. Therefore, it has been classified as a Variant of Uncertain Significance.

NM_032447.5(FBN3):c.5117A>T (p.Gln1706Leu)

Gene: FBN3 (fibrillin 3; minus strand). Cytogenetic location: 19p13.2.
Variant type: single nucleotide variant.
Coding change: c.5117A>T on transcript NM_032447.5 (MANE Select); coding-DNA position 5117, A replaced by T.
Protein change: p.Gln1706Leu; replaces glutamine 1706 with leucine.
Molecular consequence: missense variant.
Genome position (GRCh38, 1-based): chr19:8,100,945, T>A on the plus strand (A>T on the coding strand, the complement: FBN3 is on the minus strand). VCF-style: chr19-8100945-T-A. GRCh37 (hg19) VCF-style: chr19-8165829-T-A.
Other names: c.5117A>T, p.Gln1706Leu (NM_001321431.2); short protein forms Q1706L.
Identifiers: ClinVar variation 2121914 (VCV002121914.4), dbSNP rs2512724202, ClinGen allele CA403731610.